The following is an entry in ClinVar:

NM_144682.6(SLFN13):c.1677C>T (p.Leu559=)

Gene: SLFN13 (schlafen family member 13; minus strand). Cytogenetic location: 17q12.
Variant type: single nucleotide variant.
Coding change: c.1677C>T on transcript NM_144682.6 (MANE Select); coding-DNA position 1677, C replaced by T.
Protein change: p.Leu559=; no amino-acid change (leucine 559 retained).
Molecular consequence: synonymous variant.
Genome position (GRCh38, 1-based): chr17:35,441,808, G>A on the plus strand (C>T on the coding strand, the complement: SLFN13 is on the minus strand). VCF-style: chr17-35441808-G-A. GRCh37 (hg19) VCF-style: chr17-33768827-G-A.
Identifiers: ClinVar variation 2647667 (VCV002647667.24), dbSNP rs764700107, ClinGen allele CA8503719.

ClinVar aggregate classification (germline): Likely benign (1 of 4 stars; one submission).

Allele frequency attached by ClinVar (database versions not stated): ExAC 0.00249.

Submission:

CeGaT Center for Human Genetics Tuebingen
Classification: Likely benign. Last evaluated: 2022-05-01. Review status: criteria provided, single submitter. Criteria: CeGaT Center For Human Genetics Tuebingen Variant Classification Criteria Version 2. Collection method: clinical testing. Allele origin: germline. Affected: yes. Observed: 1 variant allele.
Comment: SLFN13: BP4, BP7